The following is an entry in ClinVar:

NM_001037.5(SCN1B):c.58G>A (p.Gly20Ser)

Gene: SCN1B (sodium voltage-gated channel beta subunit 1; plus strand). Cytogenetic location: 19q13.11.
Variant type: single nucleotide variant.
Coding change: c.58G>A on transcript NM_001037.5 (MANE Select); coding-DNA position 58, G replaced by A.
Protein change: p.Gly20Ser; replaces glycine 20 with serine.
Molecular consequence: missense variant. On other transcripts: 5 prime UTR variant (1).
Genome position (GRCh38, 1-based): chr19:35,032,545, G>A. VCF-style: chr19-35032545-G-A. GRCh37 (hg19) VCF-style: chr19-35523449-G-A.
Other names: c.-42G>A (NM_001321605.2); c.58G>A, p.Gly20Ser (NM_199037.5); c.58G>A (NM_001037.4); short protein forms G20S.
Identifiers: ClinVar variation 1711477 (VCV001711477.34), dbSNP rs1474025001, ClinGen allele CA405327902.
Genomic context (GRCh38, chr19:35,032,545, plus strand): 5'-GCAATGGGTGCCTCTGCCTGACCTGAGCCTGCTGTCCCCACAGTGTCCTCAGCCTGCGGG[G>A]GCTGCGTGGAGGTGGACTCGGAGACCGAGGCCGTGTATGGGATGACCTTCAAAATTCTTT-3'
Protein context (NP_001028.1, residues 10-30): GAALVSSACG[Gly20Ser]CVEVDSETEA

ClinVar aggregate classification (germline): Uncertain significance. Review status: criteria provided, multiple submitters, no conflicts (2 of 4 stars). 3 submissions from 3 submitters: Uncertain significance (3). Last evaluated 2024-12-31.

Conditions:
Cardiovascular phenotype. Identifiers: MedGen CN230736.
Brugada syndrome 5 (BRGDA5). Identifiers: Orphanet 130, Orphanet 871, MedGen C2748541, MONDO:0013015, OMIM 612838.

Allele frequency attached by ClinVar (database versions not stated): TOPMed below 0.00001; gnomAD 0.00001; gnomAD exomes 0.00001.
gnomAD v4.1: 4 of 1,613,806 alleles (0.00025%); highest among the groups gnomAD compares: Non-Finnish European, 0.00034%; no homozygotes.

Submissions (3):

Ambry Genetics
Classification: Uncertain significance for Cardiovascular phenotype. Last evaluated: 2024-12-31. Review status: criteria provided, single submitter. Criteria: Ambry Variant Classification Scheme 2023. Collection method: clinical testing. Allele origin: germline.

Labcorp Genetics (formerly Invitae), Labcorp
Classification: Uncertain significance for Brugada syndrome 5. Last evaluated: 2023-12-21. Review status: criteria provided, single submitter. Criteria: Invitae Variant Classification Sherloc (09022015). Collection method: clinical testing. Allele origin: germline.
Comment: This sequence change replaces glycine, which is neutral and non-polar, with serine, which is neutral and polar, at codon 20 of the SCN1B protein (p.Gly20Ser). This variant is not present in population databases (gnomAD no frequency). This variant has not been reported in the literature in individuals affected with SCN1B-related conditions. ClinVar contains an entry for this variant (Variation ID: 1711477). Experimental studies and prediction algorithms are not available or were not evaluated, and the functional significance of this variant is currently unknown. In summary, the available evidence is currently insufficient to determine the role of this variant in disease. Therefore, it has been classified as a Variant of Uncertain Significance.

CeGaT Center for Human Genetics Tuebingen
Classification: Uncertain significance. Last evaluated: 2022-08-01. Review status: criteria provided, single submitter. Criteria: CeGaT Center For Human Genetics Tuebingen Variant Classification Criteria Version 2. Collection method: clinical testing. Allele origin: germline. Affected: yes. Observed: 1 variant allele.
Comment: SCN1B: PM2